The following is an entry in ClinVar:

NM_018297.4(NGLY1):c.1736G>C (p.Gly579Ala)

Gene: NGLY1 (N-glycanase 1; minus strand). Cytogenetic location: 3p24.2.
Variant type: single nucleotide variant.
Coding change: c.1736G>C on transcript NM_018297.4 (MANE Select); coding-DNA position 1736, G replaced by C.
Protein change: p.Gly579Ala; replaces glycine 579 with alanine.
Molecular consequence: missense variant. On other transcripts: intron variant (1).
Genome position (GRCh38, 1-based): chr3:25,720,067, C>G on the plus strand (G>C on the coding strand, the complement: NGLY1 is on the minus strand). VCF-style: chr3-25720067-C-G. GRCh37 (hg19) VCF-style: chr3-25761558-C-G.
Other names: c.1612-432G>C (NM_001145295.2); c.1682G>C, p.Gly561Ala (NM_001145293.2); c.1610G>C, p.Gly537Ala (NM_001145294.2); short protein forms G537A, G579A, G561A.
Identifiers: ClinVar variation 1494637 (VCV001494637.5), dbSNP rs2125442877, ClinGen allele CA351894006.
Genomic context (GRCh38, chr3:25,720,067, plus strand): 5'-TGCTTACCGCCTGTCAGTTCTACTTGTGCTGTATCAGATCGCAATTTCCATTCTACTGTT[C>G]CAGTCTGAAAAGTTTGACTACTTGTTCTAATAGAAATGCTATCTACTTTTAGGCCAACTG-3'
Protein context (NP_060767.2, residues 569-589): IRTSSQTFQT[Gly579Ala]TVEWKLRSDT

ClinVar aggregate classification (germline): Uncertain significance (1 of 4 stars; one submission).

Conditions:
Congenital disorder of deglycosylation (CDDG). Identifiers: MedGen C3808991, MONDO:0031376.

Allele frequency attached by ClinVar (database versions not stated): gnomAD exomes below 0.00001.
gnomAD v4.1: 1 of 1,613,800 alleles (0.000062%); highest among the groups gnomAD compares: African/African-American, 0.0013%; no homozygotes.

Submission:

Labcorp Genetics (formerly Invitae), Labcorp
Classification: Uncertain significance for Congenital disorder of deglycosylation. Last evaluated: 2021-08-13. Review status: criteria provided, single submitter. Criteria: Invitae Variant Classification Sherloc (09022015). Collection method: clinical testing. Allele origin: germline.
Comment: This sequence change replaces glycine with alanine at codon 579 of the NGLY1 protein (p.Gly579Ala). The glycine residue is highly conserved and there is a small physicochemical difference between glycine and alanine. This variant is not present in population databases (ExAC no frequency). This variant has not been reported in the literature in individuals affected with NGLY1-related conditions. Algorithms developed to predict the effect of missense changes on protein structure and function (SIFT, PolyPhen-2, Align-GVGD) all suggest that this variant is likely to be disruptive. In summary, the available evidence is currently insufficient to determine the role of this variant in disease. Therefore, it has been classified as a Variant of Uncertain Significance.